The following is an entry in ClinVar:

ClinVar aggregate classification (germline): Uncertain significance (1 of 4 stars; one submission).

gnomAD v4.1: 2 of 1,614,102 alleles (0.00012%); highest among the groups gnomAD compares: African/African-American, 0.0027%; no homozygotes.

Submission:

Labcorp Genetics (formerly Invitae), Labcorp
Classification: Uncertain significance. Last evaluated: 2025-08-04. Review status: criteria provided, single submitter. Criteria: Invitae Variant Classification Sherloc (09022015). Collection method: clinical testing. Allele origin: germline.
Comment: This sequence change replaces asparagine, which is neutral and polar, with lysine, which is basic and polar, at codon 453 of the KRT6B protein (p.Asn453Lys). This variant is not present in population databases (gnomAD no frequency). This variant has not been reported in the literature in individuals affected with KRT6B-related conditions. ClinVar contains an entry for this variant (Variation ID: 2715426). Invitae Evidence Modeling of protein sequence and biophysical properties (such as structural, functional, and spatial information, amino acid conservation, physicochemical variation, residue mobility, and thermodynamic stability) indicates that this missense variant is expected to disrupt KRT6B protein function with a positive predictive value of 80%. In summary, the available evidence is currently insufficient to determine the role of this variant in disease. Therefore, it has been classified as a Variant of Uncertain Significance.

NM_005555.4(KRT6B):c.1359C>A (p.Asn453Lys)

Gene: KRT6B (keratin 6B; minus strand). Cytogenetic location: 12q13.13.
Variant type: single nucleotide variant.
Coding change: c.1359C>A on transcript NM_005555.4 (MANE Select); coding-DNA position 1359, C replaced by A.
Protein change: p.Asn453Lys; replaces asparagine 453 with lysine.
Molecular consequence: missense variant.
Genome position (GRCh38, 1-based): chr12:52,447,843, G>T on the plus strand (C>A on the coding strand, the complement: KRT6B is on the minus strand). VCF-style: chr12-52447843-G-T. GRCh37 (hg19) VCF-style: chr12-52841627-G-T.
Other names: short protein forms N453K.
Identifiers: ClinVar variation 2715426 (VCV002715426.3), dbSNP rs145280284, ClinGen allele CA384982026.